The following is an entry in ClinVar:

NM_004612.4(TGFBR1):c.722C>G (p.Ser241Trp)

Gene: TGFBR1 (transforming growth factor beta receptor 1; plus strand). Cytogenetic location: 9q22.33.
Variant type: single nucleotide variant.
Coding change: c.722C>G on transcript NM_004612.4 (MANE Select); coding-DNA position 722, C replaced by G.
Protein change: p.Ser241Trp; replaces serine 241 with tryptophan.
Molecular consequence: missense variant. On other transcripts: non-coding transcript variant (4), intron variant (2).
Genome position (GRCh38, 1-based): chr9:99,138,006, C>G. VCF-style: chr9-99138006-C-G. GRCh37 (hg19) VCF-style: chr9-101900288-C-G.
Other names: c.491C>G, p.Ser164Trp (NM_001130916.3); c.734C>G, p.Ser245Trp (NM_001306210.2, NM_001407416.1); c.722C>G, p.Ser241Trp (NM_001407417.1); c.527C>G, p.Ser176Trp (NM_001407418.1, NM_001407419.1, NM_001407420.1 and 1 more transcripts); c.515C>G, p.Ser172Trp (NM_001407423.1, NM_001407424.1, NM_001407425.1 and 8 more transcripts); c.476C>G, p.Ser159Trp (NM_001407436.1); c.245C>G, p.Ser82Trp (NM_001407438.1); c.575-4530C>G (NM_001407435.1); and 1 more; short protein forms S159W, S164W, S172W, S176W, S241W, S245W, S82W.
Identifiers: ClinVar variation 4070864 (VCV004070864.1).

ClinVar aggregate classification (germline): Likely pathogenic (1 of 4 stars; one submission).

Submission:

GeneDx
Classification: Likely pathogenic. Last evaluated: 2025-01-10. Review status: criteria provided, single submitter. Criteria: GeneDx Variant Classification Process June 2021. Collection method: clinical testing. Allele origin: germline. Affected: yes.
Comment: Not observed at significant frequency in large population cohorts (gnomAD); In silico analysis supports that this missense variant has a deleterious effect on protein structure/function; Has not been previously published as pathogenic or benign to our knowledge; This variant is associated with the following publications: (PMID: 16791849, 16596670, 18781618, 25521989, 25944730)